The following is an entry in ClinVar:

ClinVar aggregate classification (germline): Benign/Likely benign. Review status: criteria provided, multiple submitters, no conflicts (2 of 4 stars). 7 submissions from 7 submitters: Benign (4); Likely benign (2). 1 of the submissions does not count toward it. Last evaluated 2026-02-04.

Conditions:
OAS1-related disorder. Also called: OAS1-related condition.

Allele frequency attached by ClinVar (database versions not stated): ESP Exome Variant Server 0.56951; TOPMed 0.59226; gnomAD 0.59385 and 0.60031; 1000 Genomes Project 30x 0.60415; 1000 Genomes Project 0.61442; gnomAD exomes 0.65258 and 0.67167; ExAC 0.66853.
gnomAD v4.1: 1,033,185 of 1,598,136 alleles (65%); highest among the groups gnomAD compares: East Asian, 79%; 340,187 homozygotes.

Submissions (8):

Labcorp Genetics (formerly Invitae), Labcorp
Classification: Likely benign. Last evaluated: 2026-02-04. Review status: criteria provided, single submitter. Criteria: Invitae Variant Classification Sherloc (09022015). Collection method: clinical testing. Allele origin: germline.

Women's Health and Genetics/Laboratory Corporation of America, LabCorp
Classification: Benign. Last evaluated: 2026-01-22. Review status: criteria provided, single submitter. Criteria: LabCorp Variant Classification Summary - May 2015. Collection method: clinical testing. Allele origin: germline.
Comment: Variant summary: OAS1 c.1039-1G>A is located in a canonical splice-site and is predicted to affect mRNA splicing resulting in a significantly altered protein due to either exon skipping, shortening, or inclusion of intronic material. Variants that disrupt the consensus splice site are a relatively common cause of aberrant splicing, however current evidence is not sufficient to establish loss of function as a mechanism for disease. Several computational tools predict a significant impact on normal splicing: Four predict the variant abolishes a 3' acceptor site. However, these predictions have yet to be confirmed by functional studies. The variant allele was found at a frequency of 0.67 in 248584 control chromosomes, suggesting that it is the major allele and therefore benign. The observed variant frequency exceeds the estimated maximal expected allele frequency for disease-causing variants in OAS1. To our knowledge, no occurrence of c.1039-1G>A in individuals affected with OAS1-related conditions and no experimental evidence demonstrating its impact on protein function have been reported. ClinVar contains an entry for this variant (Variation ID: 1156518). Based on the evidence outlined above, the variant was classified as benign.

Unidad de Genómica Garrahan, Hospital de Pediatría Garrahan
Classification: Benign. Last evaluated: 2024-01-24. Review status: criteria provided, single submitter. Criteria: ACMG Guidelines, 2015. Collection method: clinical testing. Allele origin: germline. Affected: no. Observed: 87 variant alleles.
Comment: This variant is classified as Benign based on local population frequency. This variant was detected in 92% of patients studied by a panel of primary immunodeficiencies. Number of patients: 87. Only high quality variants are reported.

Mayo Clinic Laboratories, Mayo Clinic
Classification: Benign. Last evaluated: 2023-08-10. Review status: criteria provided, single submitter. Criteria: ACMG Guidelines, 2015. Collection method: clinical testing. Allele origin: germline. Observed: 391 variant alleles.
Comment: BA1, BS2, PP3

GeneDx
Classification: Benign. Last evaluated: 2021-05-04. Review status: criteria provided, single submitter. Criteria: GeneDx Variant Classification Process June 2021. Collection method: clinical testing. Allele origin: germline. Affected: yes.
Comment: This variant is associated with the following publications: (PMID: 29242559, 28640813, 15732009, 20679634, 19247438, 21173033, 15855350, 21182542)

Breakthrough Genomics
Classification: Likely benign. Review status: criteria provided, single submitter. Criteria: ACMG Guidelines, 2015. Collection method: not provided. Allele origin: germline. Inheritance: Autosomal dominant inheritance. Affected: yes.

PreventionGenetics, part of Exact Sciences
Classification: Benign for OAS1-related condition. Last evaluated: 2019-05-17. Review status: no assertion criteria provided. Collection method: clinical testing. Allele origin: germline. Not counted in ClinVar's aggregate classification.
Comment: This variant is classified as benign based on ACMG/AMP sequence variant interpretation guidelines (Richards et al. 2015 PMID: 25741868, with internal and published modifications).

Dr. Peter K. Rogan Lab, Western University
No classification provided (evidence only). Condition: Familial cancer of breast. Review status: no classification provided. Collection method: in vitro. Allele origin: not applicable. Functional consequence: retained intron. Not counted in ClinVar's aggregate classification.

Literature cited by the submitters: PubMed 15732009 (cited by Mayo Clinic Laboratories, Mayo Clinic).

NM_016816.4(OAS1):c.1039-1G>A

Gene: OAS1 (2'-5'-oligoadenylate synthetase 1; plus strand). Cytogenetic location: 12q24.13.
Variant type: single nucleotide variant.
Coding change: c.1039-1G>A on transcript NM_016816.4 (MANE Select); the canonical splice acceptor site of the intron before coding-DNA position 1039, G replaced by A.
Molecular consequence: splice acceptor variant. On other transcripts: 3 prime UTR variant (5), non-coding transcript variant (4), intron variant (5).
Genome position (GRCh38, 1-based): chr12:112,919,388, G>A. VCF-style: chr12-112919388-G-A. GRCh37 (hg19) VCF-style: chr12-113357193-G-A.
Other names: c.*675G>A (NM_001406022.1, NM_001406023.1, NM_001406029.1); c.*1631G>A (NM_001406024.1, NM_001406030.1); c.1038+1688G>A (NM_001320151.2); c.1014+1688G>A (NM_001406025.1); c.1039-99G>A (NM_001032409.3); c.1015-1G>A (NM_001406021.1); c.1015-99G>A (NM_001406020.1); c.565-1G>A (NM_001406027.1); and 2 more.
Identifiers: ClinVar variation 1156518 (VCV001156518.19), dbSNP rs10774671, ClinGen allele CA6799991.
Genomic context (GRCh38, chr12:112,919,388, plus strand): 5'-ACTGAATCCAGCTGCAATGCAGGAAGACTCCCTGATGTGATCATGTGTCTCACCCTTTCA[G>A]GCTGAAAGCAACAGTGCAGACGATGAGACCGACGATCCCAGGAGGTATCAGAAATATGGT-3'